The following is an entry in ClinVar:

ClinVar aggregate classification (germline): Uncertain significance. Review status: criteria provided, multiple submitters, no conflicts (2 of 4 stars). 4 submissions from 4 submitters: Uncertain significance (4). Last evaluated 2025-08-28.

Conditions:
TTN-related disorder. Also called: TTN-related condition; TTN-related disease; TTN-related disorders.

Allele frequency attached by ClinVar (database versions not stated): gnomAD 0.00001; gnomAD exomes 0.00001 and 0.00002; TOPMed 0.00002; ExAC 0.00004.
gnomAD v4.1: 22 of 1,613,380 alleles (0.0014%); highest among the groups gnomAD compares: South Asian, 0.016%; no homozygotes.

Submissions (4):

PreventionGenetics, part of Exact Sciences
Classification: Uncertain significance for TTN-related condition. Last evaluated: 2025-08-28. Review status: criteria provided, single submitter. Criteria: ACMG Guidelines, 2015. Collection method: clinical testing. Allele origin: germline.
Comment: The TTN c.79225C>T variant is predicted to result in the amino acid substitution p.Arg26409Cys. To our knowledge, this variant has not been reported in the literature. This variant is reported in 0.013% of alleles in individuals of South Asian descent in gnomAD. At this time, the clinical significance of this variant is uncertain due to the absence of conclusive functional and genetic evidence.

Mayo Clinic Laboratories, Mayo Clinic
Classification: Uncertain significance. Last evaluated: 2020-12-31. Review status: criteria provided, single submitter. Criteria: ACMG Guidelines, 2015. Collection method: clinical testing. Allele origin: germline. Observed: 1 variant allele.

Laboratory for Molecular Medicine, Mass General Brigham Personalized Medicine
Classification: Uncertain significance. Last evaluated: 2015-06-23. Review status: criteria provided, single submitter. Criteria: LMM Criteria. Collection method: clinical testing. Allele origin: germline. Observed: 1 variant allele.
Comment: The p.Arg23841Cys variant in TTN has not been previously reported in individuals with cardiomyopathy, but has been identified in 4/16510 South Asian chromosomes by the Exome Aggregation Consortium (ExAC). Com putational prediction tools and conservation analysis do not provide strong supp ort for or against an impact to the protein. In summary, the clinical significan ce of the p.Arg23841Cys variant is uncertain.

Eurofins Ntd Llc (ga)
Classification: Uncertain significance. Last evaluated: 2015-03-24. Review status: criteria provided, single submitter. Criteria: EGL Classification Definitions 2015. Collection method: clinical testing. Allele origin: germline. Observed: 1 variant allele, 1 heterozygote.

NM_001267550.2(TTN):c.79225C>T (p.Arg26409Cys)

Genes: TTN-AS1 (TTN antisense RNA 1; plus strand), TTN (titin; minus strand). Cytogenetic location: 2q31.2.
Variant type: single nucleotide variant.
Coding change: c.79225C>T on transcript NM_001267550.2 (MANE Select); coding-DNA position 79225, C replaced by T.
Protein change: p.Arg26409Cys; replaces arginine 26409 with cysteine.
Molecular consequence: missense variant.
Genome position (GRCh38, 1-based): chr2:178,566,907, G>A on the plus strand (C>T on the coding strand, the complement: TTN is on the minus strand). VCF-style: chr2-178566907-G-A. GRCh37 (hg19) VCF-style: chr2-179431634-G-A.
Other names: c.71521C>T, p.Arg23841Cys (NM_133378.4); c.74302C>T, p.Arg24768Cys (NM_001256850.1); c.52030C>T, p.Arg17344Cys (NM_003319.4); c.52405C>T, p.Arg17469Cys (NM_133432.3); c.52606C>T, p.Arg17536Cys (NM_133437.4); short protein forms R26409C, R23841C, R17344C, R17469C, R17536C, R24768C.
Identifiers: ClinVar variation 196086 (VCV000196086.14), dbSNP rs748258568, ClinGen allele CA242871.
Genomic context (GRCh38, chr2:178,566,907, plus strand): 5'-TTCTGTCTCTTTTCTCTACAATGTAACCAATAATCTCACTTCCACCATCACTATCTGGAC[G>A]GTTCCAACAGACGGTCATGGAGTCTTTGGCAATATTTGTGACTTCCAAGCTTTTTGGTGG-3'
Protein context (NP_001254479.2, residues 26399-26419): AKDSMTVCWN[Arg26409Cys]PDSDGGSEII